The following is an entry in ClinVar:

ClinVar aggregate classification (germline): Benign. Review status: criteria provided, multiple submitters, no conflicts (2 of 4 stars). 4 submissions from 4 submitters: Benign (3). 1 of the submissions does not count toward it. Last evaluated 2025-12-23.

Conditions:
ADAMTS9-related disorder. Also called: ADAMTS9-related condition.

Allele frequency attached by ClinVar (database versions not stated): gnomAD exomes 0.00388; ExAC 0.00495; 1000 Genomes Project 0.01498; 1000 Genomes Project 30x 0.01624; gnomAD 0.01643; TOPMed 0.01726; ESP Exome Variant Server 0.01868.
gnomAD v4.1: 4,538 of 1,613,860 alleles (0.28%); highest among the groups gnomAD compares: African/African-American, 5.3%; 82 homozygotes.

Submissions (8):

Labcorp Genetics (formerly Invitae), Labcorp
Classification: Benign. Last evaluated: 2025-12-23. Review status: criteria provided, single submitter. Criteria: Invitae Variant Classification Sherloc (09022015). Collection method: clinical testing. Allele origin: germline.

GeneDx
Classification: Benign. Last evaluated: 2021-05-05. Review status: criteria provided, single submitter. Criteria: GeneDx Variant Classification Process June 2021. Collection method: clinical testing. Allele origin: germline. Affected: yes.

Breakthrough Genomics
Classification: Benign. Review status: criteria provided, single submitter. Criteria: ACMG Guidelines, 2015. Collection method: not provided. Allele origin: germline. Inheritance: Unknown mechanism. Affected: yes.

PreventionGenetics, part of Exact Sciences
Classification: Benign for ADAMTS9-related condition. Last evaluated: 2019-07-16. Review status: no assertion criteria provided. Collection method: clinical testing. Allele origin: germline. Not counted in ClinVar's aggregate classification.
Comment: This variant is classified as benign based on ACMG/AMP sequence variant interpretation guidelines (Richards et al. 2015 PMID: 25741868, with internal and published modifications).

Dr. Peter K. Rogan Lab, Western University
No classification provided (evidence only). Condition: Clear cell carcinoma of kidney. Review status: no classification provided. Collection method: in vitro. Allele origin: not applicable. Functional consequence: skipped exon. Not counted in ClinVar's aggregate classification.

Dr. Peter K. Rogan Lab, Western University
No classification provided (evidence only). Condition: Clear cell carcinoma of kidney. Review status: no classification provided. Collection method: in vitro. Allele origin: not applicable. Functional consequence: skipped exon. Not counted in ClinVar's aggregate classification.

Dr. Peter K. Rogan Lab, Western University
No classification provided (evidence only). Condition: Uterine corpus endometrial carcinoma. Review status: no classification provided. Collection method: in vitro. Allele origin: not applicable. Functional consequence: skipped exon, retained intron. Not counted in ClinVar's aggregate classification.

Dr. Peter K. Rogan Lab, Western University
No classification provided (evidence only). Condition: Sarcoma. Review status: no classification provided. Collection method: in vitro. Allele origin: not applicable. Functional consequence: skipped exon. Not counted in ClinVar's aggregate classification.

NM_182920.2(ADAMTS9):c.4920C>T (p.Ser1640=)

Gene: ADAMTS9 (ADAM metallopeptidase with thrombospondin type 1 motif 9; minus strand). Cytogenetic location: 3p14.1.
Variant type: single nucleotide variant.
Coding change: c.4920C>T on transcript NM_182920.2 (MANE Select); coding-DNA position 4920, C replaced by T.
Protein change: p.Ser1640=; no amino-acid change (serine 1640 retained).
Molecular consequence: synonymous variant.
Genome position (GRCh38, 1-based): chr3:64,546,902, G>A on the plus strand (C>T on the coding strand, the complement: ADAMTS9 is on the minus strand). VCF-style: chr3-64546902-G-A. GRCh37 (hg19) VCF-style: chr3-64532578-G-A.
Other names: c.4836C>T, p.Ser1612= (NM_001318781.2).
Identifiers: ClinVar variation 778839 (VCV000778839.13), dbSNP rs35990034, ClinGen allele CA2480341.